The following is an entry in ClinVar:

ClinVar aggregate classification (germline): Likely pathogenic (1 of 4 stars; one submission).

Conditions:
10q11.22q11.23 deletion syndrome.

Submission:

New York Genome Center
Classification: Likely pathogenic for 10q11.22q11.23 deletion syndrome. Last evaluated: 2021-04-30. Review status: criteria provided, single submitter. Criteria: NYGC Assertion Criteria 2020. Collection method: clinical testing. Allele origin: germline. Affected: yes. Observed: 1 variant allele. Study: CSER-NYCKidSeq.
Comment: The 10q11.22q11.23 region contains many low copy repeat regions associated with segmental duplications, and several recurrent duplication and deletions have been reported. Recurrent 10q11.22q11.23 deletions very similar to the one identified here and containing genes CHAT and SLC18A3 have been described in individuals with phenotypes including variable degrees of intellectual disability and developmental delay, seizures, speech delay, behavioral abnormalities including Autism Spectrum Disorder, repetitive behaviors and ADHD, variable dysmorphic features, variable musculoskeletal findings, and other neurological disorders [PMID:21948486, 32938993,20466309, 25217958]. These copy number variants have been identified de novo in affected individuals, but also often found to be inherited from asymptomatic or mildly affected parents [PMID:21948486] suggesting variable expressivity or reduced penetrance. The 10q11.22q11.23 deletion identified here is reported as Likely Pathogenic.

NC_000010.11:g.45704708_(49974954_50015268)del

Genes: AGAP4 (ArfGAP with GTPase domain, ankyrin repeat and PH domain 4; minus strand), AGAP6 (ArfGAP with GTPase domain, ankyrin repeat and PH domain 6; plus strand), AGAP9 (ArfGAP with GTPase domain, ankyrin repeat and PH domain 9; minus strand), ANTXRL (ANTXR like; plus strand), ANXA8 (annexin A8; minus strand) and 120 more. Cytogenetic location: 10q11.22-11.23.
Variant type: Deletion.
Identifiers: ClinVar variation 2498203 (VCV002498203.1).